The following is an entry in ClinVar:

NM_000548.5(TSC2):c.1523C>A (p.Ala508Asp)

Gene: TSC2 (TSC complex subunit 2; plus strand). Cytogenetic location: 16p13.3.
Variant type: single nucleotide variant.
Coding change: c.1523C>A on transcript NM_000548.5 (MANE Select); coding-DNA position 1523, C replaced by A.
Protein change: p.Ala508Asp; replaces alanine 508 with aspartic acid.
Molecular consequence: missense variant. On other transcripts: 5 prime UTR variant (1), non-coding transcript variant (5).
Genome position (GRCh38, 1-based): chr16:2,064,351, C>A. VCF-style: chr16-2064351-C-A. GRCh37 (hg19) VCF-style: chr16-2114352-C-A.
Other names: c.1523C>A, p.Ala508Asp (NM_001077183.3, NM_001114382.3, NM_001363528.2 and 6 more transcripts); c.1412C>A, p.Ala471Asp (NM_001318827.2, NM_001406670.1, NM_001406678.1); c.1376C>A, p.Ala459Asp (NM_001318829.2, NM_001406675.1, NM_001406676.1 and 1 more transcripts); c.923C>A, p.Ala308Asp (NM_001318831.2, NM_001406682.1, NM_001406683.1 and 6 more transcripts); c.1556C>A, p.Ala519Asp (NM_001318832.2); c.1613C>A, p.Ala538Asp (NM_001406667.1, NM_001406668.1); c.179C>A, p.Ala60Asp (NM_001406689.1, NM_001406690.1, NM_001406691.1 and 6 more transcripts); c.-80C>A (NM_001406698.1); and 3 more; short protein forms A508D, A354D, A519D, A308D, A538D, A60D, A459D, A471D.
Identifiers: ClinVar variation 2835640 (VCV002835640.3), dbSNP rs1336558090, ClinGen allele CA394326238.

ClinVar aggregate classification (germline): Likely pathogenic (1 of 4 stars; one submission).

Conditions:
Tuberous sclerosis 2 (TSC2). Identifiers: Orphanet 805, MedGen C1860707, MONDO:0013199, OMIM 613254.

Submission:

Labcorp Genetics (formerly Invitae), Labcorp
Classification: Likely pathogenic for Tuberous sclerosis 2. Last evaluated: 2023-04-27. Review status: criteria provided, single submitter. Criteria: Invitae Variant Classification Sherloc (09022015). Collection method: clinical testing. Allele origin: germline.
Comment: This sequence change replaces alanine, which is neutral and non-polar, with aspartic acid, which is acidic and polar, at codon 508 of the TSC2 protein (p.Ala508Asp). This variant is not present in population databases (gnomAD no frequency). This missense change has been observed in individual(s) with tuberous sclerosis complex (Invitae). In at least one individual the variant was observed to be de novo. Advanced modeling of protein sequence and biophysical properties (such as structural, functional, and spatial information, amino acid conservation, physicochemical variation, residue mobility, and thermodynamic stability) performed at Invitae indicates that this missense variant is not expected to disrupt TSC2 protein function. In summary, the currently available evidence indicates that the variant is pathogenic, but additional data are needed to prove that conclusively. Therefore, this variant has been classified as Likely Pathogenic.